The following is an entry in ClinVar:

ClinVar aggregate classification (germline): Uncertain significance (1 of 4 stars; one submission).

Conditions:
NIK deficiency. Also called: Primary immunodeficiency with multifaceted aberrant lymphoid immunity. Identifiers: Orphanet 447731, MedGen C5680065, MONDO:0018642.

Allele frequency attached by ClinVar (database versions not stated): gnomAD 0.00001; gnomAD exomes 0.00003 and 0.00004; ExAC 0.00008; 1000 Genomes Project 30x 0.00016; 1000 Genomes Project 0.00020.
gnomAD v4.1: 16 of 1,573,866 alleles (0.001%); highest among the groups gnomAD compares: East Asian, 0.035%; no homozygotes.

Submission:

Labcorp Genetics (formerly Invitae), Labcorp
Classification: Uncertain significance for NIK deficiency. Last evaluated: 2018-06-13. Review status: criteria provided, single submitter. Criteria: Invitae Variant Classification Sherloc (09022015). Collection method: clinical testing. Allele origin: germline.
Comment: In summary, the available evidence is currently insufficient to determine the role of this variant in disease. Therefore, it has been classified as a Variant of Uncertain Significance. Nucleotide substitutions within the consensus splice site are a relatively common cause of aberrant splicing (PMID: 17576681, 9536098). Algorithms developed to predict the effect of sequence changes on RNA splicing suggest that this variant is not likely to affect RNA splicing, but this prediction has not been confirmed by published transcriptional studies. This variant has not been reported in the literature in individuals with MAP3K14-related disease. This variant is present in population databases (rs549858466, ExAC 0.2%). This sequence change falls in intron 13 of the MAP3K14 gene. It does not directly change the encoded amino acid sequence of the MAP3K14 protein, but it affects a nucleotide within the consensus splice site of the intron.

Literature cited by the submitters: PubMed 17576681; PubMed 9536098.

NM_003954.5(MAP3K14):c.2433+3G>A

Genes: MAP3K14 (mitogen-activated protein kinase kinase kinase 14; minus strand), MAP3K14-AS1 (MAP3K14 antisense RNA 1; plus strand), LOC126862575 (CDK7 strongly-dependent group 2 enhancer GRCh37_chr17:43344006-43345205; plus strand). Cytogenetic location: 17q21.31.
Variant type: single nucleotide variant.
Coding change: c.2433+3G>A on transcript NM_003954.5 (MANE Select); 3 bases into the intron after coding-DNA position 2433, G replaced by A.
Molecular consequence: intron variant.
Genome position (GRCh38, 1-based): chr17:45,267,089, C>T on the plus strand (G>A on the coding strand, the complement: MAP3K14 is on the minus strand). VCF-style: chr17-45267089-C-T. GRCh37 (hg19) VCF-style: chr17-43344456-C-T.
Other names: c.2433+3G>A (LRG_1222t1).
Identifiers: ClinVar variation 574281 (VCV000574281.7), dbSNP rs549858466, ClinGen allele CA8613890.